The following is an entry in ClinVar:

NM_020921.4(NIN):c.2217G>T (p.Glu739Asp)

Gene: NIN (ninein; minus strand). Cytogenetic location: 14q22.1.
Variant type: single nucleotide variant.
Coding change: c.2217G>T on transcript NM_020921.4 (MANE Select); coding-DNA position 2217, G replaced by T.
Protein change: p.Glu739Asp; replaces glutamic acid 739 with aspartic acid.
Molecular consequence: missense variant.
Genome position (GRCh38, 1-based): chr14:50,760,039, C>A on the plus strand (G>T on the coding strand, the complement: NIN is on the minus strand). VCF-style: chr14-50760039-C-A. GRCh37 (hg19) VCF-style: chr14-51226757-C-A.
Other names: c.2217G>T, p.Glu739Asp (NM_016350.5, NM_182944.3, NM_182946.2); short protein forms E739D.
Identifiers: ClinVar variation 4766568 (VCV004766568.1).

ClinVar aggregate classification (germline): Uncertain significance (1 of 4 stars; one submission).

gnomAD v4.1: 8 of 1,614,236 alleles (0.0005%); highest among the groups gnomAD compares: Non-Finnish European, 0.00059%; no homozygotes.

Submission:

Labcorp Genetics (formerly Invitae), Labcorp
Classification: Uncertain significance. Last evaluated: 2025-04-01. Review status: criteria provided, single submitter. Criteria: Invitae Variant Classification Sherloc (09022015). Collection method: clinical testing. Allele origin: germline.
Comment: This sequence change replaces glutamic acid, which is acidic and polar, with aspartic acid, which is acidic and polar, at codon 739 of the NIN protein (p.Glu739Asp). This variant is present in population databases (no rsID available, gnomAD 0.0009%). This variant has not been reported in the literature in individuals affected with NIN-related conditions. An algorithm developed to predict the effect of missense changes on protein structure and function (PolyPhen-2) suggests that this variant is likely to be tolerated. In summary, the available evidence is currently insufficient to determine the role of this variant in disease. Therefore, it has been classified as a Variant of Uncertain Significance.